The following is an entry in ClinVar:

ClinVar aggregate classification (germline): Uncertain significance (1 of 4 stars; one submission).

Allele frequency attached by ClinVar (database versions not stated): gnomAD exomes below 0.00001; TOPMed below 0.00001.
gnomAD v4.1: 2 of 1,550,720 alleles (0.00013%); highest among the groups gnomAD compares: African/African-American, 0.0027%; no homozygotes.

Submission:

GeneDx
Classification: Uncertain significance. Last evaluated: 2021-06-24. Review status: criteria provided, single submitter. Criteria: GeneDx Variant Classification Process June 2021. Collection method: clinical testing. Allele origin: germline. Affected: yes.
Comment: Not observed at significant frequency in large population cohorts (Lek et al., 2016); In silico analysis supports that this missense variant does not alter protein structure/function; Has not been previously published as pathogenic or benign to our knowledge; This variant is associated with the following publications: (PMID: 27535533)

NM_001292063.2(OTOG):c.5036C>T (p.Thr1679Ile)

Gene: OTOG (otogelin; plus strand). Cytogenetic location: 11p15.1.
Variant type: single nucleotide variant.
Coding change: c.5036C>T on transcript NM_001292063.2 (MANE Select); coding-DNA position 5036, C replaced by T.
Protein change: p.Thr1679Ile; replaces threonine 1679 with isoleucine.
Molecular consequence: missense variant.
Genome position (GRCh38, 1-based): chr11:17,610,336, C>T. VCF-style: chr11-17610336-C-T. GRCh37 (hg19) VCF-style: chr11-17631883-C-T.
Other names: c.5072C>T, p.Thr1691Ile (NM_001277269.2); short protein forms T1679I, T1691I.
Identifiers: ClinVar variation 1329834 (VCV001329834.2), dbSNP rs950248015, ClinGen allele CA218476000.
Genomic context (GRCh38, chr11:17,610,336, plus strand): 5'-CCTCCTCGGGATCCCACAAGGCTGTGCTGACACCTGCAGTAACTAAGGTCATAAGCAGGA[C>T]AGGGGTCCCCCAGCCCACCCAGGCCCAGAGTGCTTCAAGTCCCAGCACCCCTCTAACTGT-3'
Protein context (NP_001278992.1, residues 1669-1689): TPAVTKVISR[Thr1679Ile]GVPQPTQAQS